The following is an entry in ClinVar:

ClinVar aggregate classification (germline): Pathogenic (1 of 4 stars; one submission).

Submission:

Quest Diagnostics Nichols Institute San Juan Capistrano
Classification: Pathogenic. Last evaluated: 2022-09-22. Review status: criteria provided, single submitter. Criteria: ACMG/ClinGen CNV Guidelines, 2019. Collection method: clinical testing. Allele origin: unknown.
Comment: The copy number loss of 7q21.3 involves multiple protein-coding genes. Copy number losses within and overlapping the current interval have been reported in several individuals with split hand/foot malformation 1 (OMIM 183600, Kouwenhoven 2010, Rasmussen 2016). A deletion within the current interval segregated with affected individuals over multiple generations of paternal transmission (Rattanasopha 2014). Furthermore, hemizygous deletions of PPP1R9A have been identified in patients with developmental delay (Uddin 2016). There are no similar copy number losses of this region in the general populations of the Database of Genomic Variants. Thus, based on current medical literature and gene content, this copy number variant (CNV) is classified as pathogenic. References: Kouwenhoven et al., PLoS Genet. 2010 Aug 19;6(8):e1001065. PMID: 20808887 Rasmussen et al., Hum Genet. 2016 Mar;135(3):345-57. PMID: 26839112 Rattanasopha et al., J Med Genet. 2014 Dec;51(12):817-23. PMID: 25332435 Uddin et al., Sci Rep. 2016 Jul 1;6:28663. PMID: 27363808

GRCh37/hg19 7q21.3(chr7:94813388-96264152)x1

Genes: ASB4 (ankyrin repeat and SOCS box containing 4; plus strand), C7orf76 (chromosome 7 open reading frame 76; minus strand), DYNC1I1 (dynein cytoplasmic 1 intermediate chain 1; plus strand), PDK4 (pyruvate dehydrogenase kinase 4; minus strand), PON1 (paraoxonase 1; minus strand) and 4 more. Cytogenetic location: 7q21.3.
Variant type: copy number loss.
Change: copy number 1 (one copy instead of two) of chr7:94,813,388-96,264,152 (1.45 Mb, GRCh37 coordinates, 1-based), cytogenetic band 7q21.3.
Identifiers: ClinVar variation 2685252 (VCV002685252.1).